The following is an entry in ClinVar:

NM_001005242.3(PKP2):c.1171-3C>T

Gene: PKP2 (plakophilin 2; minus strand). Cytogenetic location: 12p11.21.
Variant type: single nucleotide variant.
Coding change: c.1171-3C>T on transcript NM_001005242.3 (MANE Select); 3 bases into the intron before coding-DNA position 1171, C replaced by T.
Molecular consequence: intron variant.
Genome position (GRCh38, 1-based): chr12:32,850,976, G>A on the plus strand (C>T on the coding strand, the complement: PKP2 is on the minus strand). VCF-style: chr12-32850976-G-A. GRCh37 (hg19) VCF-style: chr12-33003910-G-A.
Other names: c.1171-3C>T (NM_001407156.1, NM_001407155.1, NM_004572.4 and 2 more transcripts); c.844-3C>T (NM_001407160.1, NM_001407159.1, NM_001407158.1 and 1 more transcripts).
Identifiers: ClinVar variation 2774102 (VCV002774102.3), dbSNP rs753968614, ClinGen allele CA027323.

ClinVar aggregate classification (germline): Likely benign. Review status: criteria provided, multiple submitters, no conflicts (2 of 4 stars). 2 submissions from 2 submitters: Likely benign (2). Last evaluated 2023-11-02.

Conditions:
Cardiomyopathy (CMYO). Also called: Cardiomyopathies. Identifiers: Orphanet 167848, MedGen C0878544, MONDO:0004994, HP:0001638. Inheritance: Various modes of inheritance.
Arrhythmogenic right ventricular cardiomyopathy (ARVD). Also called: Arrhythmogenic right ventricular dysplasia; Cardiomyopathy, ARVC; Arrhythmogenic cardiomyopathy; Arrhythmogenic Right Ventricular Cardiomyopathy (ARVC). Identifiers: Orphanet 247, MedGen C0349788, MeSH D019571, MONDO:0016587. Disease mechanism: loss of function. Inheritance: Various modes of inheritance.

Allele frequency attached by ClinVar (database versions not stated): gnomAD exomes below 0.00001; ExAC 0.00001.
gnomAD v4.1: 1 of 1,612,806 alleles (0.000062%); highest among the groups gnomAD compares: South Asian, 0.0011%; no homozygotes.

Submissions (2):

All of Us Research Program, National Institutes of Health
Classification: Likely benign for Arrhythmogenic right ventricular cardiomyopathy. Last evaluated: 2023-11-02. Review status: criteria provided, single submitter. Criteria: ACMG Guidelines, 2015. Collection method: clinical testing. Allele origin: germline. Inheritance: Autosomal dominant inheritance. Observed: 1 variant allele, 1 heterozygote.
Comment: This study involves interpretation of variants in research participants for the purpose of population health screening. Participant phenotype was not available at the time of variant classification. Additional details can be found in publication PMID: 35346344, PMCID: PMC8962531

Color Diagnostics, LLC DBA Color Health
Classification: Likely benign for Cardiomyopathy. Last evaluated: 2021-09-22. Review status: criteria provided, single submitter. Criteria: ACMG Guidelines, 2015. Collection method: clinical testing. Allele origin: germline.